The following is an entry in ClinVar:

ClinVar aggregate classification (germline): Likely pathogenic (1 of 4 stars; one submission).

Conditions:
Abnormal heart morphology. Also called: Abnormality of cardiac morphology; Heart, malformation of. Identifiers: MedGen C0018798, MeSH D006330, HP:0001627.

Submission:

Rady Children's Institute for Genomic Medicine, Rady Children's Hospital San Diego
Classification: Likely pathogenic for Defect, Congenital Heart. Last evaluated: 2018-06-29. Review status: criteria provided, single submitter. Criteria: ACMG Guidelines, 2015. Collection method: clinical testing. Allele origin: germline. Affected: yes. Observed: 1 variant allele.
Comment: This frameshifting variant in exon 11 of 34 introduces a premature stop codon and is therefore predicted to result in loss of normal protein function. This variant has not been previously reported or functionally characterized in the literature to our knowledge. It is absent from the ExAC and gnomAD population databases and thus is presumed to be rare. NOTCH1 is predicted to be intolerant to loss of function variation (PMID 27535533) and loss of function mutations have been previously reported in NOTCH1 in association with cardiovascular disease (PMID 26820064, 16025100, 28608148, 21457232). Based on the available evidence, the c.1810delA (p.Ile604SerfsTer27) variant is classified as likely pathogenic.

NM_017617.5(NOTCH1):c.1810del (p.Ile604fs)

Gene: NOTCH1 (notch receptor 1; minus strand). Cytogenetic location: 9q34.3.
Variant type: Deletion.
Coding change: c.1810del on transcript NM_017617.5 (MANE Select); coding-DNA position 1810, one base deleted (A; older notation c.1810delA).
Protein change: p.Ile604fs; shifts the reading frame from isoleucine 604.
Molecular consequence: frameshift variant.
Genome position (GRCh38, 1-based): chr9:136,515,576, T deleted on the plus strand (A on the coding strand, the reverse complement: NOTCH1 is on the minus strand). VCF-style (leftmost placement, unchanged base first): chr9-136515575-AT-A. GRCh37 (hg19) VCF-style: chr9-139410027-AT-A.
Other names: short protein forms I604fs.
Identifiers: ClinVar variation 692037 (VCV000692037.1), dbSNP rs1589066272, ClinGen allele CA915945816.